The following is an entry in ClinVar:

NM_080425.4(GNAS):c.18C>A (p.Cys6Ter)

Gene: GNAS (GNAS complex locus; plus strand). Cytogenetic location: 20q13.32.
Variant type: single nucleotide variant.
Coding change: c.18C>A on transcript NM_080425.4 (MANE Plus Clinical); coding-DNA position 18, C replaced by A.
Protein change: p.Cys6Ter; replaces cysteine 6 with a stop codon.
Molecular consequence: nonsense. On other transcripts: 5 prime UTR variant (2), intron variant (3).
Genome position (GRCh38, 1-based): chr20:58,853,283, C>A. VCF-style: chr20-58853283-C-A. GRCh37 (hg19) VCF-style: chr20-57428338-C-A.
Other names: c.-170C>A (NM_001077490.3, NM_001309883.1); c.18C>A, p.Cys6Ter (NM_001410913.1); c.*42+12397C>A (NM_016592.5); c.43+12397C>A (NM_001410912.1); c.-39+11408C>A (NM_001309861.2); short protein forms C6*.
Identifiers: ClinVar variation 4883700 (VCV004883700.2).

ClinVar aggregate classification (germline): Uncertain significance (1 of 4 stars; one submission).

Conditions:
Pseudopseudohypoparathyroidism (PPHP). Also called: ALBRIGHT HEREDITARY OSTEODYSTROPHY WITHOUT MULTIPLE HORMONE RESISTANCE; Pseudopseudohypoparathyroidism (PPHP). Identifiers: Orphanet 79445, MedGen C0033835, MONDO:0012912, OMIM 612463.

Submission:

Dasa
Classification: Uncertain significance for Pseudopseudohypoparathyroidism. Last evaluated: 2025-11-09. Review status: criteria provided, single submitter. Criteria: DASA Assertion Criteria. Collection method: clinical testing. Allele origin: germline.
Comment: NM_080425.4(GNAS):c.18C>A (p.Cys6*) is a nonsense variant in GNAS predicted to introduce a premature termination codon. This variant is absent from population databases. The currently available literature and clinical evidence are not sufficient to establish a definitive association between this variant and the reported condition. Therefore, this variant is classified as a variant of uncertain significance.